The following is an entry in ClinVar:

ClinVar aggregate classification (germline): Uncertain significance (1 of 4 stars; one submission).

Submission:

Women's Health and Genetics/Laboratory Corporation of America, LabCorp
Classification: Uncertain significance. Last evaluated: 2022-05-27. Review status: criteria provided, single submitter. Criteria: LabCorp Variant Classification Summary - May 2015. Collection method: clinical testing. Allele origin: germline.
Comment: Variant summary: The variant identified by MLPA or other technology involves the duplication of exons 4-6 (i.e. involving the last exon) in the SHOX gene. The exact breakpoint at the 3' end of this variant is unknown and therefore this duplication might extend beyond the assayed region of the SHOX gene. A presumed nomenclature of c.(486+1_487-1)_(*2188_?)dup has been designated for the purposes of this classification. It has been assumed that this is a tandem duplication in direct orientation (Richardson_GIM_2018, Newman_AJHG_2015). Since the exact breakpoints of this duplication are not known, it is not possible to predict the protein level effect of this variant. The SHOX gene is located in a pseudoautosomal region of the X and Y chromosomes, and the variant allele was absent in 21648 control chromosomes (gnomAD database, structural variants dataset). A variant involving the duplication of exons 4-6 and extending further downstream of the gene including a large region in the 3' UTR (~140 kbp) has been reported in the literature in the heterozygous state in two members from a family (mother and daughter), who were both affected with Short Stature phenotype (Benito-Sanz_2011, Benito-Sanz_2017). Since the expressivity of SHOX deficiency is highly variable (see e.g. PMID: 21325865), these data indicate that the variant in heterozygous state maybe associated with Short Stature, but it is unclear if it could contribute to more severe phenotypes. No clinical diagnostic laboratories have submitted clinical-significance assessments for this variant to ClinVar after 2014. In conclusion, while it may be assumed some duplication variants including a large DNA segments downstream of the gene might result in regular transcription- and translation termination with an unaffected protein product, however other tandem duplication variants involving the last exon may result in a frameshift or in-frame duplication change, and also can affect the 3' UTR (containing essential regulatory elements), which might be associated with disease. Since it is not possible to distinguish between these two outcomes in the context of this evaluation, based on the evidence outlined above, the variant was classified was classified as VUS-possibly pathogenic for Short Stature phenotype.

Literature cited by the submitters: PubMed 21147883; PubMed 27604558.

NC_000023.10:g.(595562_601555)_(607559_?)dup

Gene: SHOX (short stature homeobox; plus strand). Cytogenetic location: Xp22.33.
Variant type: Duplication.
Identifiers: ClinVar variation 1696137 (VCV001696137.1).